The following is an entry in ClinVar:

NM_017780.4(CHD7):c.7835A>G (p.Asn2612Ser)

Gene: CHD7 (chromodomain helicase DNA binding protein 7; plus strand). Cytogenetic location: 8q12.2.
Variant type: single nucleotide variant.
Coding change: c.7835A>G on transcript NM_017780.4 (MANE Select); coding-DNA position 7835, A replaced by G.
Protein change: p.Asn2612Ser; replaces asparagine 2612 with serine.
Molecular consequence: missense variant. On other transcripts: intron variant (1).
Genome position (GRCh38, 1-based): chr8:60,862,200, A>G. VCF-style: chr8-60862200-A-G. GRCh37 (hg19) VCF-style: chr8-61774759-A-G.
Other names: c.1717-29A>G (NM_001316690.1); short protein forms N2612S.
Identifiers: ClinVar variation 4614711 (VCV004614711.1).

ClinVar aggregate classification (germline): Uncertain significance (1 of 4 stars; one submission).

Conditions:
Inborn genetic diseases. Identifiers: MedGen C0950123, MeSH D030342.

Submission:

Ambry Genetics
Classification: Uncertain significance for Inborn genetic diseases. Last evaluated: 2025-11-10. Review status: criteria provided, single submitter. Criteria: Ambry Variant Classification Scheme 2023. Collection method: clinical testing. Allele origin: germline.
Comment: The p.N2612S variant (also known as c.7835A>G), located in coding exon 35 of the CHD7 gene, results from an A to G substitution at nucleotide position 7835. The asparagine at codon 2612 is replaced by serine, an amino acid with highly similar properties. This amino acid position is conserved. In addition, this alteration is predicted to be tolerated by in silico analysis. Based on the available evidence, the clinical significance of this variant remains unclear.